The following is an entry in ClinVar:

NM_000287.4(PEX6):c.709C>T (p.Pro237Ser)

Gene: PEX6 (peroxisomal biogenesis factor 6; minus strand). Cytogenetic location: 6p21.1.
Variant type: single nucleotide variant.
Coding change: c.709C>T on transcript NM_000287.4 (MANE Select); coding-DNA position 709, C replaced by T.
Protein change: p.Pro237Ser; replaces proline 237 with serine.
Molecular consequence: missense variant. On other transcripts: non-coding transcript variant (1), intron variant (1).
Genome position (GRCh38, 1-based): chr6:42,978,442, G>A on the plus strand (C>T on the coding strand, the complement: PEX6 is on the minus strand). VCF-style: chr6-42978442-G-A. GRCh37 (hg19) VCF-style: chr6-42946180-G-A.
Other names: c.618+91C>T (NM_001316313.2); short protein forms P237S.
Identifiers: ClinVar variation 2083871 (VCV002083871.1), dbSNP rs1770403645, ClinGen allele CA364162608.

ClinVar aggregate classification (germline): Uncertain significance (1 of 4 stars; one submission).

Conditions:
Peroxisome biogenesis disorder. Identifiers: Orphanet 79189, MedGen C1832200, MONDO:0019234. Disease mechanism: loss of function.

Allele frequency attached by ClinVar (database versions not stated): gnomAD exomes 0.00002.
gnomAD v4.1: 31 of 1,614,202 alleles (0.0019%); highest among the groups gnomAD compares: Non-Finnish European, 0.0025%; no homozygotes.

Submission:

Labcorp Genetics (formerly Invitae), Labcorp
Classification: Uncertain significance for Peroxisome biogenesis disorder. Last evaluated: 2022-01-15. Review status: criteria provided, single submitter. Criteria: Invitae Variant Classification Sherloc (09022015). Collection method: clinical testing. Allele origin: germline.
Comment: This sequence change replaces proline, which is neutral and non-polar, with serine, which is neutral and polar, at codon 237 of the PEX6 protein (p.Pro237Ser). This variant is not present in population databases (gnomAD no frequency). This variant has not been reported in the literature in individuals affected with PEX6-related conditions. Algorithms developed to predict the effect of missense changes on protein structure and function are either unavailable or do not agree on the potential impact of this missense change (SIFT: "Tolerated"; PolyPhen-2: "Possibly Damaging"; Align-GVGD: "Class C0"). In summary, the available evidence is currently insufficient to determine the role of this variant in disease. Therefore, it has been classified as a Variant of Uncertain Significance.